The following is an entry in ClinVar:

ClinVar aggregate classification (germline): Uncertain significance (1 of 4 stars; one submission).

Conditions:
QRICH1-related disorder. Also called: QRICH1-related condition.

gnomAD v4.1: 1 of 1,614,200 alleles (0.000062%); highest among the groups gnomAD compares: Non-Finnish European, 0.000085%; no homozygotes.

Submission:

PreventionGenetics, part of Exact Sciences
Classification: Uncertain significance for QRICH1-related condition. Last evaluated: 2026-02-27. Review status: criteria provided, single submitter. Criteria: ACMG Guidelines, 2015. Collection method: clinical testing. Allele origin: germline.
Comment: The QRICH1 c.1083G>A variant is predicted to result in the amino acid substitution p.Met361Ile. To our knowledge, this variant has not been reported in the literature or in a large population database (gnomAD), indicating this variant is rare. At this time, the clinical significance of this variant is uncertain due to the absence of conclusive functional and genetic evidence.

NM_198880.3(QRICH1):c.1083G>A (p.Met361Ile)

Gene: QRICH1 (glutamine rich 1; minus strand). Cytogenetic location: 3p21.31.
Variant type: single nucleotide variant.
Coding change: c.1083G>A on transcript NM_198880.3 (MANE Select); coding-DNA position 1083, G replaced by A.
Protein change: p.Met361Ile; replaces methionine 361 with isoleucine.
Molecular consequence: missense variant.
Genome position (GRCh38, 1-based): chr3:49,057,117, C>T on the plus strand (G>A on the coding strand, the complement: QRICH1 is on the minus strand). VCF-style: chr3-49057117-C-T. GRCh37 (hg19) VCF-style: chr3-49094550-C-T.
Other names: c.1083G>A, p.Met361Ile (NM_001320580.2, NM_001320581.2, NM_001320582.2 and 4 more transcripts); short protein forms M361I.
Identifiers: ClinVar variation 4979583 (VCV004979583.1).